The following is an entry in ClinVar:

ClinVar aggregate classification (germline): Uncertain significance. Review status: criteria provided, multiple submitters, no conflicts (2 of 4 stars). 2 submissions from 2 submitters: Uncertain significance (2). Last evaluated 2026-06-07.

Allele frequency attached by ClinVar (database versions not stated): gnomAD 0.00001; TOPMed 0.00001; ExAC 0.00002; 1000 Genomes Project 30x 0.00031.
gnomAD v4.1: 19 of 1,607,924 alleles (0.0012%); highest among the groups gnomAD compares: Non-Finnish European, 0.0013%; no homozygotes.

Submissions (2):

Revvity Omics, Revvity
Classification: Uncertain significance. Last evaluated: 2026-06-07. Review status: criteria provided, single submitter. Criteria: ACMG Guidelines, 2015. Collection method: clinical testing. Allele origin: germline.

Labcorp Genetics (formerly Invitae), Labcorp
Classification: Uncertain significance. Last evaluated: 2024-10-22. Review status: criteria provided, single submitter. Criteria: Invitae Variant Classification Sherloc (09022015). Collection method: clinical testing. Allele origin: germline.
Comment: This sequence change replaces alanine, which is neutral and non-polar, with threonine, which is neutral and polar, at codon 770 of the CNNM2 protein (p.Ala770Thr). The frequency data for this variant in the population databases is considered unreliable, as metrics indicate poor data quality at this position in the gnomAD database. This variant has not been reported in the literature in individuals affected with CNNM2-related conditions. ClinVar contains an entry for this variant (Variation ID: 1920136). An algorithm developed to predict the effect of missense changes on protein structure and function (PolyPhen-2) suggests that this variant is likely to be tolerated. In summary, the available evidence is currently insufficient to determine the role of this variant in disease. Therefore, it has been classified as a Variant of Uncertain Significance.

NM_017649.5(CNNM2):c.2308G>A (p.Ala770Thr)

Gene: CNNM2 (cyclin and CBS domain divalent metal cation transport mediator 2; plus strand). Cytogenetic location: 10q24.32.
Variant type: single nucleotide variant.
Coding change: c.2308G>A on transcript NM_017649.5 (MANE Select); coding-DNA position 2308, G replaced by A.
Protein change: p.Ala770Thr; replaces alanine 770 with threonine.
Molecular consequence: missense variant.
Genome position (GRCh38, 1-based): chr10:103,076,160, G>A. VCF-style: chr10-103076160-G-A. GRCh37 (hg19) VCF-style: chr10-104835917-G-A.
Other names: c.2242G>A, p.Ala748Thr (NM_199076.3); short protein forms A748T, A770T.
Identifiers: ClinVar variation 1920136 (VCV001920136.6), dbSNP rs757254202, ClinGen allele CA5670597.